The following is an entry in ClinVar:

NM_001203.3(BMPR1B):c.1152C>T (p.Asp384=)

Gene: BMPR1B (bone morphogenetic protein receptor type 1B; plus strand). Cytogenetic location: 4q22.3.
Variant type: single nucleotide variant.
Coding change: c.1152C>T on transcript NM_001203.3 (MANE Select); coding-DNA position 1152, C replaced by T.
Protein change: p.Asp384=; no amino-acid change (aspartic acid 384 retained).
Molecular consequence: synonymous variant.
Genome position (GRCh38, 1-based): chr4:95,148,823, C>T. VCF-style: chr4-95148823-C-T. GRCh37 (hg19) VCF-style: chr4-96069974-C-T.
Other names: c.1152C>T, p.Asp384= (NM_001256792.2, NM_001256794.1); c.1242C>T, p.Asp414= (NM_001256793.2); c.1152C>T (NM_001203.2).
Identifiers: ClinVar variation 1611545 (VCV001611545.11), dbSNP rs375476260, ClinGen allele CA3015191.

ClinVar aggregate classification (germline): Likely benign. Review status: criteria provided, multiple submitters, no conflicts (2 of 4 stars). 4 submissions from 4 submitters: Likely benign (3). 1 of the submissions does not count toward it. Last evaluated 2025-02-10.

Conditions:
Type A2 brachydactyly (BDA2). Also called: BRACHYMESOPHALANGY II; Brachymesophalangy type 2; MOHR-WRIEDT TYPE BRACHYDACTYLY. Identifiers: Orphanet 93396, MedGen C1832702, MONDO:0007216, OMIM 112600, HP:0009372.
Acromesomelic dysplasia 3 (AMD3). Also called: Acromesomelic dysplasia, Demirhan type; CHONDRODYSPLASIA, ACROMESOMELIC, WITH OR WITHOUT GENITAL ANOMALIES. Identifiers: MedGen C4225404, MONDO:0012274, OMIM 609441.
BMPR1B-related disorder. Also called: BMPR1B-related condition.

Allele frequency attached by ClinVar (database versions not stated): gnomAD exomes 0.00001 and 0.00005; gnomAD 0.00002; TOPMed 0.00003; ExAC 0.00005; ESP Exome Variant Server 0.00008.
gnomAD v4.1: 18 of 1,613,838 alleles (0.0011%); highest among the groups gnomAD compares: Middle Eastern, 0.033%; no homozygotes.

Submissions (4):

Labcorp Genetics (formerly Invitae), Labcorp
Classification: Likely benign for Type A2 brachydactyly; Acromesomelic dysplasia 3. Last evaluated: 2025-02-10. Review status: criteria provided, single submitter. Criteria: Invitae Variant Classification Sherloc (09022015). Collection method: clinical testing. Allele origin: germline.

Blueprint Genetics
Classification: Likely benign. Last evaluated: 2020-05-28. Review status: criteria provided, single submitter. Criteria: ACMG Guidelines, 2015. Collection method: clinical testing. Allele origin: germline.

Breakthrough Genomics
Classification: Likely benign. Review status: criteria provided, single submitter. Criteria: ACMG Guidelines, 2015. Collection method: not provided. Allele origin: germline. Inheritance: Autosomal recessive inheritance. Affected: yes.

PreventionGenetics, part of Exact Sciences
Classification: Likely benign for BMPR1B-related condition. Last evaluated: 2019-07-15. Review status: no assertion criteria provided. Collection method: clinical testing. Allele origin: germline. Not counted in ClinVar's aggregate classification.
Comment: This variant is classified as likely benign based on ACMG/AMP sequence variant interpretation guidelines (Richards et al. 2015 PMID: 25741868, with internal and published modifications).